The following is an entry in ClinVar:

NM_001282531.3(ADNP):c.967T>C (p.Ser323Pro)

Gene: ADNP (activity dependent neuroprotector homeobox; minus strand). Cytogenetic location: 20q13.13.
Variant type: single nucleotide variant.
Coding change: c.967T>C on transcript NM_001282531.3 (MANE Select); coding-DNA position 967, T replaced by C.
Protein change: p.Ser323Pro; replaces serine 323 with proline.
Molecular consequence: missense variant.
Genome position (GRCh38, 1-based): chr20:50,893,747, A>G on the plus strand (T>C on the coding strand, the complement: ADNP is on the minus strand). VCF-style: chr20-50893747-A-G. GRCh37 (hg19) VCF-style: chr20-49510284-A-G.
Other names: c.967T>C, p.Ser323Pro (NM_001282532.2, NM_001347511.2, NM_015339.5 and 1 more transcripts); c.1183T>C, p.Ser395Pro (NM_001439000.1); c.283T>C, p.Ser95Pro (NM_001439001.1); short protein forms S323P, S395P, S95P.
Identifiers: ClinVar variation 4733412 (VCV004733412.1).

ClinVar aggregate classification (germline): Uncertain significance (1 of 4 stars; one submission).

Submission:

Labcorp Genetics (formerly Invitae), Labcorp
Classification: Uncertain significance. Last evaluated: 2025-12-16. Review status: criteria provided, single submitter. Criteria: Invitae Variant Classification Sherloc (09022015). Collection method: clinical testing. Allele origin: germline.
Comment: This sequence change replaces serine, which is neutral and polar, with proline, which is neutral and non-polar, at codon 323 of the ADNP protein (p.Ser323Pro). This variant is not present in population databases (gnomAD no frequency). This variant has not been reported in the literature in individuals affected with ADNP-related conditions. An algorithm developed to predict the effect of missense changes on protein structure and function (PolyPhen-2) suggests that this variant is likely to be tolerated. In summary, the available evidence is currently insufficient to determine the role of this variant in disease. Therefore, it has been classified as a Variant of Uncertain Significance.